The following is an entry in ClinVar:

ClinVar aggregate classification (germline): Uncertain significance. Review status: criteria provided, multiple submitters, no conflicts (2 of 4 stars). 2 submissions from 2 submitters: Uncertain significance (2). Last evaluated 2024-01-04.

Conditions:
Inborn genetic diseases. Identifiers: MedGen C0950123, MeSH D030342.

gnomAD v4.1: 1 of 1,611,326 alleles (0.000062%); no homozygotes.

Submissions (2):

Ambry Genetics
Classification: Uncertain significance for Inborn genetic diseases. Last evaluated: 2024-01-04. Review status: criteria provided, single submitter. Criteria: Ambry Variant Classification Scheme 2023. Collection method: clinical testing. Allele origin: germline.

Labcorp Genetics (formerly Invitae), Labcorp
Classification: Uncertain significance. Last evaluated: 2022-11-01. Review status: criteria provided, single submitter. Criteria: Invitae Variant Classification Sherloc (09022015). Collection method: clinical testing. Allele origin: germline.
Comment: This variant has not been reported in the literature in individuals affected with PLAA-related conditions. Advanced modeling of protein sequence and biophysical properties (such as structural, functional, and spatial information, amino acid conservation, physicochemical variation, residue mobility, and thermodynamic stability) performed at Invitae indicates that this missense variant is expected to disrupt PLAA protein function. In summary, the available evidence is currently insufficient to determine the role of this variant in disease. Therefore, it has been classified as a Variant of Uncertain Significance. This variant is present in population databases (no rsID available, gnomAD 0.0009%). This sequence change replaces tyrosine, which is neutral and polar, with cysteine, which is neutral and slightly polar, at codon 420 of the PLAA protein (p.Tyr420Cys).

NM_001031689.3(PLAA):c.1259A>G (p.Tyr420Cys)

Gene: PLAA (phospholipase A2 activating protein; minus strand). Cytogenetic location: 9p21.2.
Variant type: single nucleotide variant.
Coding change: c.1259A>G on transcript NM_001031689.3 (MANE Select); coding-DNA position 1259, A replaced by G.
Protein change: p.Tyr420Cys; replaces tyrosine 420 with cysteine.
Molecular consequence: missense variant.
Genome position (GRCh38, 1-based): chr9:26,919,468, T>C on the plus strand (A>G on the coding strand, the complement: PLAA is on the minus strand). VCF-style: chr9-26919468-T-C. GRCh37 (hg19) VCF-style: chr9-26919466-T-C.
Other names: c.1259A>G (NM_001031689.2); c.1259A>G, p.Tyr420Cys (NM_001321546.2); short protein forms Y420C.
Identifiers: ClinVar variation 1977065 (VCV001977065.6), dbSNP rs1164031152, ClinGen allele CA373132214.